The following is an entry in ClinVar:

NM_144687.4(NLRP12):c.1171G>A (p.Val391Met)

Gene: NLRP12 (NLR family pyrin domain containing 12; minus strand). Cytogenetic location: 19q13.42.
Variant type: single nucleotide variant.
Coding change: c.1171G>A on transcript NM_144687.4 (MANE Select); coding-DNA position 1171, G replaced by A.
Protein change: p.Val391Met; replaces valine 391 with methionine.
Molecular consequence: missense variant.
Genome position (GRCh38, 1-based): chr19:53,810,488, C>T on the plus strand (G>A on the coding strand, the complement: NLRP12 is on the minus strand). VCF-style: chr19-53810488-C-T. GRCh37 (hg19) VCF-style: chr19-54313742-C-T.
Other names: c.1171G>A, p.Val391Met (NM_001277126.2, NM_001277129.1); short protein forms V391M.
Identifiers: ClinVar variation 2781526 (VCV002781526.3), dbSNP rs199512582, ClinGen allele CA9639507.

ClinVar aggregate classification (germline): Uncertain significance (1 of 4 stars; one submission).

Conditions:
Familial cold autoinflammatory syndrome 2 (FCAS2). Identifiers: Orphanet 247868, MedGen C2673198, MONDO:0012724, OMIM 611762.

Allele frequency attached by ClinVar (database versions not stated): ExAC 0.00002.
gnomAD v4.1: 16 of 1,614,092 alleles (0.00099%); highest among the groups gnomAD compares: South Asian, 0.012%; no homozygotes.

Submission:

Labcorp Genetics (formerly Invitae), Labcorp
Classification: Uncertain significance for Familial cold autoinflammatory syndrome 2. Last evaluated: 2023-08-14. Review status: criteria provided, single submitter. Criteria: Invitae Variant Classification Sherloc (09022015). Collection method: clinical testing. Allele origin: germline.
Comment: This sequence change replaces valine, which is neutral and non-polar, with methionine, which is neutral and non-polar, at codon 391 of the NLRP12 protein (p.Val391Met). In summary, the available evidence is currently insufficient to determine the role of this variant in disease. Therefore, it has been classified as a Variant of Uncertain Significance. Advanced modeling of protein sequence and biophysical properties (such as structural, functional, and spatial information, amino acid conservation, physicochemical variation, residue mobility, and thermodynamic stability) performed at Invitae indicates that this missense variant is not expected to disrupt NLRP12 protein function. This variant has not been reported in the literature in individuals affected with NLRP12-related conditions. This variant is present in population databases (rs199512582, gnomAD 0.02%).